The following is an entry in ClinVar:

NM_001429.4(EP300):c.781C>T (p.Pro261Ser)

Gene: EP300 (EP300 lysine acetyltransferase; plus strand). Cytogenetic location: 22q13.2.
Variant type: single nucleotide variant.
Coding change: c.781C>T on transcript NM_001429.4 (MANE Select); coding-DNA position 781, C replaced by T.
Protein change: p.Pro261Ser; replaces proline 261 with serine.
Molecular consequence: missense variant.
Genome position (GRCh38, 1-based): chr22:41,125,915, C>T. VCF-style: chr22-41125915-C-T. GRCh37 (hg19) VCF-style: chr22-41521919-C-T.
Other names: c.781C>T, p.Pro261Ser (NM_001362843.2); short protein forms P261S.
Identifiers: ClinVar variation 341784 (VCV000341784.18), dbSNP rs753462821, ClinGen allele CA10252355.
Genomic context (GRCh38, chr22:41,125,915, plus strand): 5'-TACTCTTAGATGGGAATGATGAACAACCCCAATCCTTATGGTTCACCATATACTCAGAAT[C>T]CTGGACAGCAGATTGGAGCCAGTGGCCTTGGTCTCCAGATTCAGACAAAAACTGTACTAT-3'
Protein context (NP_001420.2, residues 251-271): NPYGSPYTQN[Pro261Ser]GQQIGASGLG

ClinVar aggregate classification (germline): Likely benign. Review status: criteria provided, multiple submitters, no conflicts (2 of 4 stars). 5 submissions from 5 submitters: Likely benign (3). 2 of the submissions do not count toward it. Last evaluated 2025-09-27.

Conditions:
Inborn genetic diseases. Identifiers: MedGen C0950123, MeSH D030342.
EP300-related disorder. Also called: EP300-related disorders; EP300-related condition.
Intellectual disability. Also called: Intellectual functioning disability; intellectual disabilities; Intellectual developmental disorder. Identifiers: MedGen C3714756, MeSH D008607, MONDO:0001071, HP:0001249.
Rubinstein-Taybi syndrome due to EP300 haploinsufficiency. Also called: EP300-Related Rubinstein-Taybi Syndrome; RUBINSTEIN-TAYBI SYNDROME 2. Identifiers: Orphanet 353284, Orphanet 783, MedGen C3150941, MONDO:0013364, OMIM 613684.

Allele frequency attached by ClinVar (database versions not stated): gnomAD 0.00004; gnomAD exomes 0.00005 and 0.00006; TOPMed 0.00006; ExAC 0.00008.

Submissions (5):

Labcorp Genetics (formerly Invitae), Labcorp
Classification: Likely benign for Rubinstein-Taybi syndrome due to EP300 haploinsufficiency. Last evaluated: 2025-09-27. Review status: criteria provided, single submitter. Criteria: Invitae Variant Classification Sherloc (09022015). Collection method: clinical testing. Allele origin: germline.

Blueprint Genetics
Classification: Likely benign. Last evaluated: 2024-11-13. Review status: criteria provided, single submitter. Criteria: ACMG Guidelines, 2015. Collection method: clinical testing. Allele origin: germline.

Ambry Genetics
Classification: Likely benign for Inborn genetic diseases. Last evaluated: 2023-05-08. Review status: criteria provided, single submitter. Criteria: Ambry Variant Classification Scheme 2023. Collection method: clinical testing. Allele origin: germline.

PreventionGenetics, part of Exact Sciences
Classification: Likely benign for EP300-related condition. Last evaluated: 2023-08-02. Review status: no assertion criteria provided. Collection method: clinical testing. Allele origin: germline. Not counted in ClinVar's aggregate classification.
Comment: This variant is classified as likely benign based on ACMG/AMP sequence variant interpretation guidelines (Richards et al. 2015 PMID: 25741868, with internal and published modifications).

Centre de Biologie Pathologie Génétique, Centre Hospitalier Universitaire de Lille
Classification: Likely benign for Intellectual disability. Last evaluated: 2019-01-01. Review status: no assertion criteria provided. Collection method: clinical testing. Allele origin: inherited. Affected: yes. Not counted in ClinVar's aggregate classification.